The following is an entry in ClinVar:

ClinVar aggregate classification (germline): Uncertain significance (1 of 4 stars; one submission).

gnomAD v4.1: 6 of 1,613,706 alleles (0.00037%); highest among the groups gnomAD compares: South Asian, 0.0066%; no homozygotes.

Submission:

Ambry Genetics
Classification: Uncertain significance. Last evaluated: 2026-06-15. Review status: criteria provided, single submitter. Criteria: Ambry Variant Classification Scheme 2023. Collection method: clinical testing. Allele origin: germline.
Comment: The p.N346H variant (also known as c.1036A>C), located in coding exon 8 of the RINT1 gene, results from an A to C substitution at nucleotide position 1036. The asparagine at codon 346 is replaced by histidine, an amino acid with similar properties. This amino acid position is conserved. In addition, this alteration is predicted to be tolerated by in silico analysis. Based on the available evidence, the clinical significance of this variant remains unclear.

NM_021930.6(RINT1):c.1036A>C (p.Asn346His)

Gene: RINT1 (RAD50 interactor 1; plus strand). Cytogenetic location: 7q22.3.
Variant type: single nucleotide variant.
Coding change: c.1036A>C on transcript NM_021930.6 (MANE Select); coding-DNA position 1036, A replaced by C.
Protein change: p.Asn346His; replaces asparagine 346 with histidine.
Molecular consequence: missense variant. On other transcripts: non-coding transcript variant (1).
Genome position (GRCh38, 1-based): chr7:105,550,094, A>C. VCF-style: chr7-105550094-A-C. GRCh37 (hg19) VCF-style: chr7-105190541-A-C.
Other names: c.802A>C, p.Asn268His (NM_001346599.2); c.13A>C, p.Asn5His (NM_001346600.2, NM_001346603.2); c.112A>C, p.Asn38His (NM_001346601.2); short protein forms N268H, N38H, N5H, N346H.
Identifiers: ClinVar variation 5028253 (VCV005028253.1).
Genomic context (GRCh38, chr7:105,550,094, plus strand): 5'-ACTATTTTCCTCCTTCCTTAGCCAGAATGGTACTTGGCTCAAGTACTTATGTGGATTGGA[A>C]ACCATACTGAATTTCTGGATGAGAAGATTCAGCCAATATTAGACAAAGTAGGCTCTTTGG-3'
Protein context (NP_068749.3, residues 336-356): YLAQVLMWIG[Asn346His]HTEFLDEKIQ